The following is an entry in ClinVar:

NM_052947.4(ALPK2):c.3754C>G (p.Arg1252Gly)

Genes: ALPK2 (alpha kinase 2; minus strand), LOC126862764 (BRD4-independent group 4 enhancer GRCh37_chr18:56202574-56203773; plus strand). Cytogenetic location: 18q21.31.
Variant type: single nucleotide variant.
Coding change: c.3754C>G on transcript NM_052947.4 (MANE Select); coding-DNA position 3754, C replaced by G.
Protein change: p.Arg1252Gly; replaces arginine 1252 with glycine.
Molecular consequence: missense variant.
Genome position (GRCh38, 1-based): chr18:58,536,433, G>C on the plus strand (C>G on the coding strand, the complement: ALPK2 is on the minus strand). VCF-style: chr18-58536433-G-C. GRCh37 (hg19) VCF-style: chr18-56203665-G-C.
Other names: short protein forms R1252G.
Identifiers: ClinVar variation 1734588 (VCV001734588.2), dbSNP rs757636331, ClinGen allele CA402565767.

ClinVar aggregate classification (germline): Uncertain significance (1 of 4 stars; one submission).

gnomAD v4.1: 1 of 1,614,116 alleles (0.000062%); no homozygotes.

Submission:

Ambry Genetics
Classification: Uncertain significance. Last evaluated: 2022-05-27. Review status: criteria provided, single submitter. Criteria: Ambry Variant Classification Scheme 2023. Collection method: clinical testing. Allele origin: germline.
Comment: The p.R1252G variant (also known as c.3754C>G), located in coding exon 4 of the ALPK2 gene, results from a C to G substitution at nucleotide position 3754. The arginine at codon 1252 is replaced by glycine, an amino acid with dissimilar properties. This amino acid position is conserved. In addition, this alteration is predicted to be tolerated by in silico analysis. Since supporting evidence is limited at this time, the clinical significance of this alteration remains unclear.